The following is an entry in ClinVar:

ClinVar aggregate classification (germline): Uncertain significance (1 of 4 stars; one submission).

Conditions:
Emery-Dreifuss muscular dystrophy 4, autosomal dominant (EDMD4). Also called: EMERY-DREIFUSS MUSCULAR DYSTROPHY 4 WITH VARIABLE FEATURES. Identifiers: Orphanet 261, MedGen C2751807, MONDO:0013071, OMIM 612998.
Autosomal recessive ataxia, Beauce type. Also called: Spinocerebellar ataxia, autosomal recessive 8; ATAXIA, RECESSIVE, OF BEAUCE; SYNE1-Related Autosomal Recessive Cerebellar Ataxia; SYNE1 Deficiency. Identifiers: Orphanet 88644, MedGen C1853116, MONDO:0012549, OMIM 610743.

Allele frequency attached by ClinVar (database versions not stated): TOPMed below 0.00001; ExAC 0.00001; gnomAD 0.00001; gnomAD exomes 0.00001.
gnomAD v4.1: 14 of 1,613,818 alleles (0.00087%); highest among the groups gnomAD compares: Non-Finnish European, 0.0012%; no homozygotes.

Submission:

Labcorp Genetics (formerly Invitae), Labcorp
Classification: Uncertain significance for Emery-Dreifuss muscular dystrophy 4, autosomal dominant; Autosomal recessive ataxia, Beauce type. Last evaluated: 2022-01-21. Review status: criteria provided, single submitter. Criteria: Invitae Variant Classification Sherloc (09022015). Collection method: clinical testing. Allele origin: germline.
Comment: This variant has not been reported in the literature in individuals affected with SYNE1-related conditions. In summary, the available evidence is currently insufficient to determine the role of this variant in disease. Therefore, it has been classified as a Variant of Uncertain Significance. Algorithms developed to predict the effect of missense changes on protein structure and function output the following: SIFT: "Tolerated"; PolyPhen-2: "Benign"; Align-GVGD: "Class C0". The histidine amino acid residue is found in multiple mammalian species, which suggests that this missense change does not adversely affect protein function. This variant is present in population databases (rs765942984, gnomAD 0.0009%). This sequence change replaces tyrosine, which is neutral and polar, with histidine, which is basic and polar, at codon 3233 of the SYNE1 protein (p.Tyr3233His).

NM_182961.4(SYNE1):c.9676T>C (p.Tyr3226His)

Gene: SYNE1 (spectrin repeat containing nuclear envelope protein 1; minus strand). Cytogenetic location: 6q25.2.
Variant type: single nucleotide variant.
Coding change: c.9676T>C on transcript NM_182961.4 (MANE Select); coding-DNA position 9676, T replaced by C.
Protein change: p.Tyr3226His; replaces tyrosine 3226 with histidine.
Molecular consequence: missense variant.
Genome position (GRCh38, 1-based): chr6:152,369,103, A>G on the plus strand (T>C on the coding strand, the complement: SYNE1 is on the minus strand). VCF-style: chr6-152369103-A-G. GRCh37 (hg19) VCF-style: chr6-152690238-A-G.
Other names: c.9697T>C, p.Tyr3233His (NM_033071.5); short protein forms Y3226H, Y3233H.
Identifiers: ClinVar variation 2187303 (VCV002187303.4), dbSNP rs765942984, ClinGen allele CA4057248.
Genomic context (GRCh38, chr6:152,369,103, plus strand): 5'-CAGCTTGTCCTTCCCACAGCTGCTGAGCTTTCTCTTTCAGCCTGTTGAGCTGAGGCTCGT[A>G]GCAGTGTATTTCCTCAAGGACAGACTGAAAAGCACAAGCAAGTTACTATTCAGAGGCTGG-3'
Protein context (NP_892006.3, residues 3216-3236): LQSVLEEIHC[Tyr3226His]EPQLNRLKEK